The following is an entry in ClinVar:

ClinVar aggregate classification (germline): Likely benign (1 of 4 stars; one submission).

gnomAD v4.1: 29 of 1,613,912 alleles (0.0018%); highest among the groups gnomAD compares: East Asian, 0.0067%; no homozygotes.

Submission:

CeGaT Center for Human Genetics Tuebingen
Classification: Likely benign. Last evaluated: 2025-04-01. Review status: criteria provided, single submitter. Criteria: CeGaT Center For Human Genetics Tuebingen Variant Classification Criteria Version 2. Collection method: clinical testing. Allele origin: germline. Affected: yes. Observed: 1 variant allele.
Comment: DAGLA: BP4, BP7

NM_006133.3(DAGLA):c.1761C>T (p.Ser587=)

Gene: DAGLA (diacylglycerol lipase alpha; plus strand). Cytogenetic location: 11q12.2.
Variant type: single nucleotide variant.
Coding change: c.1761C>T on transcript NM_006133.3 (MANE Select); coding-DNA position 1761, C replaced by T.
Protein change: p.Ser587=; no amino-acid change (serine 587 retained).
Molecular consequence: synonymous variant.
Genome position (GRCh38, 1-based): chr11:61,739,569, C>T. VCF-style: chr11-61739569-C-T. GRCh37 (hg19) VCF-style: chr11-61507041-C-T.
Identifiers: ClinVar variation 3898570 (VCV003898570.7).